The following is an entry in ClinVar:

ClinVar aggregate classification (germline): Uncertain significance. Review status: criteria provided, multiple submitters, no conflicts (2 of 4 stars). 2 submissions from 2 submitters: Uncertain significance (2). Last evaluated 2024-08-10.

Conditions:
Hereditary spastic paraplegia 50 (SPG50). Also called: Spastic paraplegia 50, autosomal recessive. Identifiers: Orphanet 280763, MedGen C2752008, MONDO:0013048, OMIM 612936.
Inborn genetic diseases. Identifiers: MedGen C0950123, MeSH D030342.

Allele frequency attached by ClinVar (database versions not stated): TOPMed below 0.00001; ExAC 0.00001; gnomAD exomes 0.00001.
gnomAD v4.1: 9 of 1,614,126 alleles (0.00056%); highest among the groups gnomAD compares: South Asian, 0.0022%; no homozygotes.

Submissions (2):

Ambry Genetics
Classification: Uncertain significance for Inborn genetic diseases. Last evaluated: 2024-08-10. Review status: criteria provided, single submitter. Criteria: Ambry Variant Classification Scheme 2023. Collection method: clinical testing. Allele origin: germline.

Labcorp Genetics (formerly Invitae), Labcorp
Classification: Uncertain significance for Hereditary spastic paraplegia 50. Last evaluated: 2021-08-26. Review status: criteria provided, single submitter. Criteria: Invitae Variant Classification Sherloc (09022015). Collection method: clinical testing. Allele origin: germline.
Comment: This sequence change replaces arginine with cysteine at codon 271 of the AP4M1 protein (p.Arg271Cys). The arginine residue is highly conserved and there is a large physicochemical difference between arginine and cysteine. This variant is present in population databases (rs781616312, ExAC 0.009%). This variant has not been reported in the literature in individuals with AP4M1-related conditions. Algorithms developed to predict the effect of missense changes on protein structure and function (SIFT, PolyPhen-2, Align-GVGD) all suggest that this variant is likely to be disruptive, but these predictions have not been confirmed by published functional studies and their clinical significance is uncertain. In summary, the available evidence is currently insufficient to determine the role of this variant in disease. Therefore, it has been classified as a Variant of Uncertain Significance.

NM_004722.4(AP4M1):c.811C>T (p.Arg271Cys)

Gene: AP4M1 (adaptor related protein complex 4 subunit mu 1; plus strand). Cytogenetic location: 7q22.1.
Variant type: single nucleotide variant.
Coding change: c.811C>T on transcript NM_004722.4 (MANE Select); coding-DNA position 811, C replaced by T.
Protein change: p.Arg271Cys; replaces arginine 271 with cysteine.
Molecular consequence: missense variant.
Genome position (GRCh38, 1-based): chr7:100,105,323, C>T. VCF-style: chr7-100105323-C-T. GRCh37 (hg19) VCF-style: chr7-99702946-C-T.
Other names: c.832C>T, p.Arg278Cys (NM_001363671.2); c.811C>T (NM_004722.3); short protein forms R271C, R278C.
Identifiers: ClinVar variation 1477533 (VCV001477533.10), dbSNP rs781616312, ClinGen allele CA4374802.